The following is an entry in ClinVar:

NM_001710.6(CFB):c.291G>A (p.Glu97=)

Gene: CFB (complement factor B; plus strand). Cytogenetic location: 6p21.33.
Variant type: single nucleotide variant.
Coding change: c.291G>A on transcript NM_001710.6 (MANE Select); coding-DNA position 291, G replaced by A.
Protein change: p.Glu97=; no amino-acid change (glutamic acid 97 retained).
Molecular consequence: synonymous variant.
Genome position (GRCh38, 1-based): chr6:31,946,599, G>A. VCF-style: chr6-31946599-G-A. GRCh37 (hg19) VCF-style: chr6-31914376-G-A.
Identifiers: ClinVar variation 356269 (VCV000356269.16), dbSNP rs138236643, ClinGen allele CA3727975.

ClinVar aggregate classification (germline): Conflicting classifications of pathogenicity. Review status: criteria provided, conflicting classifications (1 of 4 stars). 6 submissions from 5 submitters: Uncertain significance (1); Likely benign (4). 1 of the submissions does not count toward it. Last evaluated 2026-01-22.

Conditions:
Macular degeneration. Also called: Degenerative disorder of macula. Identifiers: MedGen C0024437, MONDO:0003004, HP:0000608.
Atypical hemolytic-uremic syndrome with B factor anomaly. Also called: HEMOLYTIC UREMIC SYNDROME, ATYPICAL, SUSCEPTIBILITY TO, 4; AHUS, SUSCEPTIBILITY TO, 4. Identifiers: Orphanet 2134, MedGen C2752038, MONDO:0013042, OMIM 612924.
CFB-related disorder. Also called: CFB-related condition; CFB-related disorders.

Allele frequency attached by ClinVar (database versions not stated): gnomAD 0.00013 and 0.00014; TOPMed 0.00013; ExAC 0.00015; gnomAD exomes 0.00016; ESP Exome Variant Server 0.00047.
gnomAD v4.1: 771 of 1,608,750 alleles (0.048%); highest among the groups gnomAD compares: Non-Finnish European, 0.063%; no homozygotes.

Submissions (6):

Women's Health and Genetics/Laboratory Corporation of America, LabCorp
Classification: Likely benign. Last evaluated: 2026-01-22. Review status: criteria provided, single submitter. Criteria: LabCorp Variant Classification Summary - May 2015. Collection method: clinical testing. Allele origin: germline.

Labcorp Genetics (formerly Invitae), Labcorp
Classification: Likely benign. Last evaluated: 2025-12-01. Review status: criteria provided, single submitter. Criteria: Invitae Variant Classification Sherloc (09022015). Collection method: clinical testing. Allele origin: germline.

Blueprint Genetics
Classification: Likely benign. Last evaluated: 2024-10-14. Review status: criteria provided, single submitter. Criteria: ACMG Guidelines, 2015. Collection method: clinical testing. Allele origin: germline.

Illumina Laboratory Services, Illumina
Classification: Likely benign for Atypical hemolytic-uremic syndrome with B factor anomaly. Last evaluated: 2018-01-13. Review status: criteria provided, single submitter. Criteria: ICSL Variant Classification Criteria 13 December 2019. Collection method: clinical testing. Allele origin: germline.
Comment: This variant was observed in the ICSL laboratory as part of a predisposition screen in an ostensibly healthy population. It had not been previously curated by ICSL or reported in the Human Gene Mutation Database (HGMD: prior to June 1st, 2018), and was therefore a candidate for classification through an automated scoring system. Utilizing variant allele frequency, disease prevalence and penetrance estimates, and inheritance mode, an automated score was calculated to assess if this variant is too frequent to cause the disease. Based on the score and internal cut-off values, a variant classified as likely benign is not then subjected to further curation. The score for this variant resulted in a classification of likely benign for this disease.

Illumina Laboratory Services, Illumina
Classification: Uncertain significance for Macular degeneration. Last evaluated: 2018-01-13. Review status: criteria provided, single submitter. Criteria: ICSL Variant Classification Criteria 13 December 2019. Collection method: clinical testing. Allele origin: germline.

PreventionGenetics, part of Exact Sciences
Classification: Likely benign for CFB-related condition. Last evaluated: 2019-09-26. Review status: no assertion criteria provided. Collection method: clinical testing. Allele origin: germline. Not counted in ClinVar's aggregate classification.
Comment: This variant is classified as likely benign based on ACMG/AMP sequence variant interpretation guidelines (Richards et al. 2015 PMID: 25741868, with internal and published modifications).